The following is an entry in ClinVar:

ClinVar aggregate classification (germline): Pathogenic (3 of 4 stars; one submission).

Conditions:
Glanzmann thrombasthenia. Also called: THROMBASTHENIA OF GLANZMANN AND NAEGELI; BLEEDING DISORDER, PLATELET-TYPE, 2; Thrombasthenia; PLATELET GLYCOPROTEIN IIb-IIIa DEFICIENCY; Glanzmann's thrombasthenia. Identifiers: Orphanet 849, MedGen C0040015, MONDO:0100326.

Submission:

ClinGen Platelet Disorders Variant Curation Expert Panel, ClinGen
Classification: Pathogenic for Glanzmann thrombasthenia. Last evaluated: 2021-06-30. Review status: reviewed by expert panel. Criteria: ClinGen Platelet ACMG Specifications v2. Collection method: curation. Allele origin: germline. Inheritance: Autosomal recessive inheritance.
Comment: The NM_000212.3(ITGB3):c.892C>T (p.Gln298Ter) nonsense variant creates a premature stop codon in exon 6/15 leading to nonsense mediated decay in a gene in which loss-of-function is an established disease mechanism (PVS1). At least two probands has been reported with this variant, including GT28 of PMID: 29675921 who meets the criteria for PP4_strong. A second patient in PMID: 21136216 is homozygous for Gln298Ter (PM3_supporting). This variant is absent from gnomAD v2.1.1 (PM2_Supporting). In summary, this variant meets the criteria to be classified as Pathogenic for autosomal recessive Glanzmann Thrombasthenia based on the ACMG/AMP criteria applied, as specified by the ClinGen PD VCEP: PVS1, PM2_supporting, PM3_supporting, PP4_strong. (VCEP specifications version 2; date of approval xx/xx/xxxx)

NM_000212.3(ITGB3):c.892C>T (p.Gln298Ter)

Gene: ITGB3 (integrin subunit beta 3; plus strand). Cytogenetic location: 17q21.32.
Variant type: single nucleotide variant.
Coding change: c.892C>T on transcript NM_000212.3 (MANE Select); coding-DNA position 892, C replaced by T.
Protein change: p.Gln298Ter; replaces glutamine 298 with a stop codon.
Molecular consequence: nonsense.
Genome position (GRCh38, 1-based): chr17:47,287,184, C>T. VCF-style: chr17-47287184-C-T. GRCh37 (hg19) VCF-style: chr17-45364550-C-T.
Other names: NM_000212.3:c.892C>T; short protein forms Q298*.
Identifiers: ClinVar variation 1330332 (VCV001330332.1), dbSNP rs2065105940, ClinGen allele CA400025098.